The following is an entry in ClinVar:

NM_025114.4(CEP290):c.994C>T (p.His332Tyr)

Gene: CEP290 (centrosomal protein 290; minus strand). Cytogenetic location: 12q21.32.
Variant type: single nucleotide variant.
Coding change: c.994C>T on transcript NM_025114.4 (MANE Select); coding-DNA position 994, C replaced by T.
Protein change: p.His332Tyr; replaces histidine 332 with tyrosine.
Molecular consequence: missense variant.
Genome position (GRCh38, 1-based): chr12:88,126,387, G>A on the plus strand (C>T on the coding strand, the complement: CEP290 is on the minus strand). VCF-style: chr12-88126387-G-A. GRCh37 (hg19) VCF-style: chr12-88520164-G-A.
Other names: short protein forms H332Y.
Identifiers: ClinVar variation 2087728 (VCV002087728.4), dbSNP rs768520045, ClinGen allele CA6712640.
Genomic context (GRCh38, chr12:88,126,387, plus strand): 5'-CCATAACATTACTTTTATCAGCATCAAGCTGAGCATTCTTAAGTTTCTCCCTTAGGTTAT[G>A]TAACATTTGCTGATACTCAATAATTTCATCATCTTTAGAAGACAAAATTAGCTAGAAATA-3'
Protein context (NP_079390.3, residues 322-342): DEIIEYQQML[His332Tyr]NLREKLKNAQ

ClinVar aggregate classification (germline): Uncertain significance (1 of 4 stars; one submission).

Conditions:
Joubert syndrome. Also called: CEREBELLOPARENCHYMAL DISORDER IV; JOUBERT-BOLTSHAUSER SYNDROME; Familial aplasia of the vermis. Identifiers: Orphanet 475, MedGen C5979921, MONDO:0018772.
Nephronophthisis. Also called: Juvenile Nephronophthisis. Identifiers: Orphanet 655, MedGen C0687120, MONDO:0019005, HP:0000090.
Meckel-Gruber syndrome. Also called: DYSENCEPHALIA SPLANCHNOCYSTICA; GRUBER SYNDROME; Dysencephalia splachnocystica. Identifiers: Orphanet 564, MedGen C0265215, MONDO:0018921.

Allele frequency attached by ClinVar (database versions not stated): gnomAD exomes below 0.00001; ExAC 0.00002.
gnomAD v4.1: 1 of 1,519,998 alleles (0.000066%); highest among the groups gnomAD compares: Non-Finnish European, 0.000088%; no homozygotes.

Submission:

Labcorp Genetics (formerly Invitae), Labcorp
Classification: Uncertain significance for Joubert syndrome; Meckel-Gruber syndrome; Nephronophthisis. Last evaluated: 2022-04-15. Review status: criteria provided, single submitter. Criteria: Invitae Variant Classification Sherloc (09022015). Collection method: clinical testing. Allele origin: germline.
Comment: In summary, the available evidence is currently insufficient to determine the role of this variant in disease. Therefore, it has been classified as a Variant of Uncertain Significance. Algorithms developed to predict the effect of missense changes on protein structure and function output the following: SIFT: "Tolerated"; PolyPhen-2: "Benign"; Align-GVGD: "Class C0". The tyrosine amino acid residue is found in multiple mammalian species, which suggests that this missense change does not adversely affect protein function. This variant has not been reported in the literature in individuals affected with CEP290-related conditions. The frequency data for this variant in the population databases is considered unreliable, as metrics indicate poor data quality at this position in the gnomAD database. This sequence change replaces histidine, which is basic and polar, with tyrosine, which is neutral and polar, at codon 332 of the CEP290 protein (p.His332Tyr).